The following is an entry in ClinVar:

NM_006030.4(CACNA2D2):c.1908-6C>G

Gene: CACNA2D2 (calcium voltage-gated channel auxiliary subunit alpha2delta 2; minus strand). Cytogenetic location: 3p21.31.
Variant type: single nucleotide variant.
Coding change: c.1908-6C>G on transcript NM_006030.4 (MANE Select); 6 bases into the intron before coding-DNA position 1908, C replaced by G.
Molecular consequence: intron variant.
Genome position (GRCh38, 1-based): chr3:50,374,819, G>C on the plus strand (C>G on the coding strand, the complement: CACNA2D2 is on the minus strand). VCF-style: chr3-50374819-G-C. GRCh37 (hg19) VCF-style: chr3-50412250-G-C.
Other names: c.1701-6C>G (NM_001291101.1); c.1908-6C>G (NM_001005505.3, NM_001174051.3, NM_001174051.1).
Identifiers: ClinVar variation 572771 (VCV000572771.15), dbSNP rs200831326, ClinGen allele CA2418669.

ClinVar aggregate classification (germline): Conflicting classifications of pathogenicity. Review status: criteria provided, conflicting classifications (1 of 4 stars). 3 submissions from 3 submitters: Uncertain significance (2); Likely benign (1). Last evaluated 2025-12-31.

Conditions:
Early-infantile DEE. Also called: Early infantile epileptic encephalopathy with suppression bursts; Early infantile epileptic encephalopathy; Ohtahara syndrome. Identifiers: Orphanet 1934, MedGen C0393706, MONDO:0800491.
Inborn genetic diseases. Identifiers: MedGen C0950123, MeSH D030342.

Allele frequency attached by ClinVar (database versions not stated): ESP Exome Variant Server 0.00023; TOPMed 0.00025; gnomAD 0.00026; 1000 Genomes Project 0.00080; 1000 Genomes Project 30x 0.00094.
gnomAD v4.1: 110 of 1,585,974 alleles (0.0069%); highest among the groups gnomAD compares: African/African-American, 0.082%; no homozygotes.

Submissions (3):

Labcorp Genetics (formerly Invitae), Labcorp
Classification: Likely benign for Early-infantile DEE. Last evaluated: 2025-12-31. Review status: criteria provided, single submitter. Criteria: Invitae Variant Classification Sherloc (09022015). Collection method: clinical testing. Allele origin: germline.

Women's Health and Genetics/Laboratory Corporation of America, LabCorp
Classification: Uncertain significance. Last evaluated: 2025-04-30. Review status: criteria provided, single submitter. Criteria: LabCorp Variant Classification Summary - May 2015. Collection method: clinical testing. Allele origin: germline.
Comment: Variant summary: CACNA2D2 c.1908-6C>G alters a non-conserved nucleotide located at a position not widely known to affect splicing. Several computational tools predict a significant impact on normal splicing: One predicts the variant creates a 5' donor site. One predicts the variant strengthens a cryptic 5' donor site. Three predict the variant weakens a 3' acceptor site. However, these predictions have yet to be confirmed by functional studies. The variant allele was found at a frequency of 7.4e-05 in 202180 control chromosomes, predominantly at a frequency of 0.0011 within the African or African-American subpopulation in the gnomAD database. This frequency is not significantly higher than estimated for a pathogenic variant in CACNA2D2 causing Cerebellar Atrophy With Seizures And Variable Developmental Delay, allowing no conclusion about variant significance. To our knowledge, no occurrence of c.1908-6C>G in individuals affected with CACNA2D2-related conditions and no experimental evidence demonstrating its impact on protein function have been reported. ClinVar contains an entry for this variant (Variation ID: 572771). Based on the evidence outlined above, the variant was classified as uncertain significance.

Ambry Genetics
Classification: Uncertain significance for Inborn genetic diseases. Last evaluated: 2022-06-17. Review status: criteria provided, single submitter. Criteria: Ambry Variant Classification Scheme 2023. Collection method: clinical testing. Allele origin: germline.
Comment: The c.1908-6C>G intronic alteration consists of a C to G substitution 6 nucleotides before coding exon 22 in the CACNA2D2 gene. Based on insufficient or conflicting evidence, the clinical significance of this alteration remains unclear.